The following is an entry in ClinVar:

ClinVar aggregate classification (germline): Conflicting classifications of pathogenicity. Review status: criteria provided, conflicting classifications (1 of 4 stars). 5 submissions from 5 submitters: Uncertain significance (1); Likely benign (3). 1 of the submissions does not count toward it. Last evaluated 2026-03-10.

Conditions:
FGFR3-related disorder. Also called: FGFR3-related disorders.

Allele frequency attached by ClinVar (database versions not stated): gnomAD exomes 0.00002 and 0.00004; ExAC 0.00005; TOPMed 0.00006; ESP Exome Variant Server 0.00008.

Submissions (5):

Women's Health and Genetics/Laboratory Corporation of America, LabCorp
Classification: Likely benign. Last evaluated: 2026-03-10. Review status: criteria provided, single submitter. Criteria: LabCorp Variant Classification Summary - May 2015. Collection method: clinical testing. Allele origin: germline.

Labcorp Genetics (formerly Invitae), Labcorp
Classification: Likely benign. Last evaluated: 2026-02-01. Review status: criteria provided, single submitter. Criteria: Invitae Variant Classification Sherloc (09022015). Collection method: clinical testing. Allele origin: germline.

GeneDx
Classification: Likely benign. Last evaluated: 2020-10-21. Review status: criteria provided, single submitter. Criteria: GeneDx Variant Classification Process June 2021. Collection method: clinical testing. Allele origin: germline. Affected: yes.

CeGaT Center for Human Genetics Tuebingen
Classification: Uncertain significance. Last evaluated: 2018-10-01. Review status: criteria provided, single submitter. Criteria: CeGaT Center For Human Genetics Tuebingen Variant Classification Criteria Version 2. Collection method: clinical testing. Allele origin: germline. Affected: yes. Observed: 1 variant allele.

PreventionGenetics, part of Exact Sciences
Classification: Likely benign for FGFR3-related condition. Last evaluated: 2019-10-30. Review status: no assertion criteria provided. Collection method: clinical testing. Allele origin: germline. Not counted in ClinVar's aggregate classification.
Comment: This variant is classified as likely benign based on ACMG/AMP sequence variant interpretation guidelines (Richards et al. 2015 PMID: 25741868, with internal and published modifications).

NM_000142.5(FGFR3):c.1752G>A (p.Pro584=)

Gene: FGFR3 (fibroblast growth factor receptor 3; plus strand). Cytogenetic location: 4p16.3.
Variant type: single nucleotide variant.
Coding change: c.1752G>A on transcript NM_000142.5 (MANE Select); coding-DNA position 1752, G replaced by A.
Protein change: p.Pro584=; no amino-acid change (proline 584 retained).
Molecular consequence: synonymous variant. On other transcripts: non-coding transcript variant (1).
Genome position (GRCh38, 1-based): chr4:1,805,856, G>A. VCF-style: chr4-1805856-G-A. GRCh37 (hg19) VCF-style: chr4-1807583-G-A.
Other names: c.1758G>A, p.Pro586= (NM_001163213.2); c.1755G>A, p.Pro585= (NM_001354809.2, NM_001354810.2); c.1416G>A, p.Pro472= (NM_022965.4).
Identifiers: ClinVar variation 444628 (VCV000444628.53), dbSNP rs139020690, ClinGen allele CA2810565.